The following is an entry in ClinVar:

NM_031407.7(HUWE1):c.7966A>G (p.Lys2656Glu)

Gene: HUWE1 (HECT, UBA and WWE domain containing E3 ubiquitin protein ligase 1; minus strand). Cytogenetic location: Xp11.22.
Variant type: single nucleotide variant.
Coding change: c.7966A>G on transcript NM_031407.7 (MANE Select); coding-DNA position 7966, A replaced by G.
Protein change: p.Lys2656Glu; replaces lysine 2656 with glutamic acid.
Molecular consequence: missense variant.
Genome position (GRCh38, 1-based): chrX:53,559,010, T>C on the plus strand (A>G on the coding strand, the complement: HUWE1 is on the minus strand). VCF-style: chrX-53559010-T-C. GRCh37 (hg19) VCF-style: chrX-53585971-T-C.
Other names: short protein forms K2656E.
Identifiers: ClinVar variation 1304379 (VCV001304379.2), dbSNP rs2147572610, ClinGen allele CA413152969.
Genomic context (GRCh38, chrX:53,559,010, plus strand): 5'-GATAACCAAGCTGCCACGCACCTGAAACACAGTCATGCATGCTCTCAGCATCGAGAACTT[T>C]GCATTCTTCTGTCCAGCGGGTCAGGGCTGTGGGGATGCTGGACAGGGTTCCTGTAGGGAC-3'
Protein context (NP_113584.3, residues 2646-2666): TALTRWTEEC[Lys2656Glu]VLDAESMHDC

ClinVar aggregate classification (germline): Uncertain significance (1 of 4 stars; one submission).

Submission:

GeneDx
Classification: Uncertain significance. Last evaluated: 2020-04-10. Review status: criteria provided, single submitter. Criteria: GeneDx Variant Classification Process June 2021. Collection method: clinical testing. Allele origin: germline. Affected: yes.
Comment: Not observed in large population cohorts (Lek et al., 2016); In silico analysis supports that this missense variant has a deleterious effect on protein structure/function; Has not been previously published as pathogenic or benign to our knowledge